The following is an entry in ClinVar:

ClinVar aggregate classification (germline): Uncertain significance (1 of 4 stars; one submission).

Conditions:
Aniridia 1 (AN1). Identifiers: Orphanet 250923, MedGen C0344542, MONDO:0024507, OMIM 106210.
Irido-corneo-trabecular dysgenesis (ASGD5). Also called: ANTERIOR SEGMENT DYSGENESIS 5. Identifiers: Orphanet 708, MedGen C0344559, MONDO:0011414, OMIM 604229, HP:0000659.

gnomAD v4.1: 11 of 1,613,938 alleles (0.00068%); highest among the groups gnomAD compares: East Asian, 0.025%; no homozygotes.

Submission:

Labcorp Genetics (formerly Invitae), Labcorp
Classification: Uncertain significance for Aniridia 1; Irido-corneo-trabecular dysgenesis. Last evaluated: 2025-06-29. Review status: criteria provided, single submitter. Criteria: Invitae Variant Classification Sherloc (09022015). Collection method: clinical testing. Allele origin: germline.
Comment: This sequence change falls in intron 7 of the PAX6 gene. It does not directly change the encoded amino acid sequence of the PAX6 protein. It affects a nucleotide within the consensus splice site. This variant is present in population databases (rs759789528, gnomAD 0.04%). This variant has not been reported in the literature in individuals affected with PAX6-related conditions. Variants that disrupt the consensus splice site are a relatively common cause of aberrant splicing (PMID: 17576681, 9536098). Algorithms developed to predict the effect of sequence changes on RNA splicing suggest that this variant is not likely to affect RNA splicing. In summary, the available evidence is currently insufficient to determine the role of this variant in disease. Therefore, it has been classified as a Variant of Uncertain Significance.

Literature cited by the submitters: PubMed 17576681; PubMed 9536098.

NM_001368894.2(PAX6):c.566-3C>T

Gene: PAX6 (paired box 6; minus strand). Cytogenetic location: 11p13.
Variant type: single nucleotide variant.
Coding change: c.566-3C>T on transcript NM_001368894.2 (MANE Select); 3 bases into the intron before coding-DNA position 566, C replaced by T.
Molecular consequence: intron variant.
Genome position (GRCh38, 1-based): chr11:31,794,791, G>A on the plus strand (C>T on the coding strand, the complement: PAX6 is on the minus strand). VCF-style: chr11-31794791-G-A. GRCh37 (hg19) VCF-style: chr11-31816339-G-A.
Other names: c.524-3C>T (NM_001127612.3, NM_001368890.2, NM_001368888.2 and 10 more transcripts); c.365-3C>T (NM_001368921.2, NM_001368923.2, NM_001368926.2 and 4 more transcripts); c.566-3C>T (NM_001258462.3, NM_001310158.2, NM_001258463.2 and 6 more transcripts); c.641-3C>T (NM_001368919.2, NM_001368918.2); c.767-3C>T (NM_001368910.2); c.116-3C>T (NM_001368909.2, NM_001368904.2, NM_001368905.2 and 11 more transcripts); c.569-3C>T (NM_001368911.2); c.323-3C>T (NM_001368928.2); and 2 more.
Identifiers: ClinVar variation 4788721 (VCV004788721.1).
Genomic context (GRCh38, chr11:31,794,791, plus strand): 5'-CCGTTGGAACTGATGGAGTTGGTATTCTCTCCCCCTCCTTCCTGTTGCTGGCAGCCATCT[G>A]GAACAAAAAGAATAGGATGGTAAGAGAAATTTGGATTAACTTGGAGCCTCCAAAAGGGGC-3'